The following is an entry in ClinVar:

NM_004333.6(BRAF):c.2213T>G (p.Phe738Cys)

Gene: BRAF (B-Raf proto-oncogene, serine/threonine kinase; minus strand). Cytogenetic location: 7q34.
Variant type: single nucleotide variant.
Coding change: c.2213T>G on transcript NM_004333.6 (MANE Select); coding-DNA position 2213, T replaced by G.
Protein change: p.Phe738Cys; replaces phenylalanine 738 with cysteine.
Molecular consequence: missense variant. On other transcripts: intron variant (2).
Genome position (GRCh38, 1-based): chr7:140,734,685, A>C on the plus strand (T>G on the coding strand, the complement: BRAF is on the minus strand). VCF-style: chr7-140734685-A-C. GRCh37 (hg19) VCF-style: chr7-140434485-A-C.
Other names: c.2213T>G, p.Phe738Cys (NM_001354609.2); c.2333T>G, p.Phe778Cys (NM_001374244.1, NM_001374258.1); c.2222T>G, p.Phe741Cys (NM_001378467.1); c.2147T>G, p.Phe716Cys (NM_001378469.1); c.2111T>G, p.Phe704Cys (NM_001378470.1); c.2102T>G, p.Phe701Cys (NM_001378471.1); c.2057T>G, p.Phe686Cys (NM_001378472.1, NM_001378473.1); c.1949T>G, p.Phe650Cys (NM_001378475.1); and 1 more; short protein forms F650C, F686C, F701C, F704C, F716C, F738C, F741C, F778C.
Identifiers: ClinVar variation 1715499 (VCV001715499.5), dbSNP rs2535894585, ClinGen allele CA369537197.

ClinVar aggregate classification (germline): Uncertain significance (1 of 4 stars; one submission).

Conditions:
RASopathy. Also called: rasopathies; Noonan spectrum disorder. Identifiers: Orphanet 536391, MedGen C5555857, MONDO:0021060.

Submission:

Labcorp Genetics (formerly Invitae), Labcorp
Classification: Uncertain significance for RASopathy. Last evaluated: 2022-08-07. Review status: criteria provided, single submitter. Criteria: Invitae Variant Classification Sherloc (09022015). Collection method: clinical testing. Allele origin: germline.
Comment: This sequence change replaces phenylalanine, which is neutral and non-polar, with cysteine, which is neutral and slightly polar, at codon 738 of the BRAF protein (p.Phe738Cys). This variant is not present in population databases (gnomAD no frequency). This variant has not been reported in the literature in individuals affected with BRAF-related conditions. Advanced modeling of protein sequence and biophysical properties (such as structural, functional, and spatial information, amino acid conservation, physicochemical variation, residue mobility, and thermodynamic stability) performed at Invitae indicates that this missense variant is not expected to disrupt BRAF protein function. In summary, the available evidence is currently insufficient to determine the role of this variant in disease. Therefore, it has been classified as a Variant of Uncertain Significance.